The following is an entry in ClinVar:

NM_000393.5(COL5A2):c.3209G>A (p.Arg1070His)

Gene: COL5A2 (collagen type V alpha 2 chain; minus strand). Cytogenetic location: 2q32.2.
Variant type: single nucleotide variant.
Coding change: c.3209G>A on transcript NM_000393.5 (MANE Select); coding-DNA position 3209, G replaced by A.
Protein change: p.Arg1070His; replaces arginine 1070 with histidine.
Molecular consequence: missense variant.
Genome position (GRCh38, 1-based): chr2:189,045,900, C>T on the plus strand (G>A on the coding strand, the complement: COL5A2 is on the minus strand). VCF-style: chr2-189045900-C-T. GRCh37 (hg19) VCF-style: chr2-189910626-C-T.
Other names: short protein forms R1070H.
Identifiers: ClinVar variation 197537 (VCV000197537.20), dbSNP rs373288848, ClinGen allele CA245756.
Genomic context (GRCh38, chr2:189,045,900, plus strand): 5'-GGGCCAGGAGTTCCAGGGGCACCCTGAGAGCCTGGCAGACCTGCAGGCCCAGGGTCTCCA[C>T]GATCACCCTAACAAGAATAACCATGATATTATTTTTTAACATTTATTCTAAAACAACAAT-3'
Protein context (NP_000384.2, residues 1060-1080): RDGAVGERGD[Arg1070His]GDPGPAGLPG

ClinVar aggregate classification (germline): Conflicting classifications of pathogenicity. Review status: criteria provided, conflicting classifications (1 of 4 stars). 5 submissions from 5 submitters: Uncertain significance (2); Likely benign (3). Last evaluated 2025-12-10.

Conditions:
Ehlers-Danlos syndrome, classic type, 1 (EDSCL1). Also called: Ehlers-Danlos Syndrome, Classic Type, COL5A1-Related; EHLERS-DANLOS SYNDROME, GRAVIS TYPE; EHLERS-DANLOS SYNDROME, SEVERE CLASSIC TYPE; Ehlers-Danlos syndrome, type 1; EDS I. Identifiers: MedGen C0268335, MONDO:0019567, OMIM 130000.
Familial thoracic aortic aneurysm and aortic dissection (TAAD). Also called: Thoracic aortic aneurysms and dissections. Identifiers: Orphanet 91387, MedGen C4707243, MONDO:0019625.

Allele frequency attached by ClinVar (database versions not stated): ESP Exome Variant Server 0.00008; TOPMed 0.00013; 1000 Genomes Project 30x 0.00016; gnomAD exomes 0.00003 and 0.00007; ExAC 0.00008; gnomAD 0.00017 and 0.00018; 1000 Genomes Project 0.00020.
gnomAD v4.1: 70 of 1,613,540 alleles (0.0043%); highest among the groups gnomAD compares: African/African-American, 0.051%; no homozygotes.

Submissions (5):

Labcorp Genetics (formerly Invitae), Labcorp
Classification: Likely benign for Ehlers-Danlos syndrome, classic type, 1. Last evaluated: 2025-12-10. Review status: criteria provided, single submitter. Criteria: Invitae Variant Classification Sherloc (09022015). Collection method: clinical testing. Allele origin: germline.

Women's Health and Genetics/Laboratory Corporation of America, LabCorp
Classification: Likely benign. Last evaluated: 2025-11-17. Review status: criteria provided, single submitter. Criteria: LabCorp Variant Classification Summary - May 2015. Collection method: clinical testing. Allele origin: germline.
Comment: Variant summary: COL5A2 c.3209G>A (p.Arg1070His) results in a non-conservative amino acid change in the encoded protein sequence. Algorithms developed to predict the effect of missense changes on protein structure and function all suggest that this variant is likely to be disruptive. The variant allele was found at a frequency of 6.8e-05 in 251294 control chromosomes. The observed variant frequency exceeds the estimated maximal expected allele frequency for disease-causing variants in COL5A2. c.3209G>A has been observed in an study on congenital heart disease (Jin_2017). These report(s) do not provide unequivocal conclusions about association of the variant with Ehlers-Danlos Syndrome. To our knowledge, no experimental evidence demonstrating an impact on protein function has been reported. The following publication have been ascertained in the context of this evaluation (PMID: 28991257). ClinVar contains an entry for this variant (Variation ID: 197537). Based on the evidence outlined above, the variant was classified as likely benign.

GeneDx
Classification: Uncertain significance. Last evaluated: 2023-03-15. Review status: criteria provided, single submitter. Criteria: GeneDx Variant Classification Process June 2021. Collection method: clinical testing. Allele origin: germline. Affected: yes.
Comment: Identified by exome sequencing in one individual with a conotruncal heart defect who was compound heterozygous for another variant in the COL5A2 gene (Jin et al., 2017); In silico analysis supports that this missense variant has a deleterious effect on protein structure/function; This variant is associated with the following publications: (PMID: 28991257)

Ambry Genetics
Classification: Likely benign for Familial thoracic aortic aneurysm and aortic dissection. Last evaluated: 2019-12-27. Review status: criteria provided, single submitter. Criteria: Ambry Variant Classification Scheme 2023. Collection method: clinical testing. Allele origin: germline.

Eurofins Ntd Llc (ga)
Classification: Uncertain significance. Last evaluated: 2014-12-12. Review status: criteria provided, single submitter. Criteria: EGL Classification Definitions 2015. Collection method: clinical testing. Allele origin: germline. Observed: 1 variant allele, 1 heterozygote.

Literature cited by the submitters: PubMed 28991257 (cited by Women's Health and Genetics/Laboratory Corporation of America, LabCorp and Ambry Genetics).